The following is an entry in ClinVar:

NM_000545.8(HNF1A):c.788G>T (p.Arg263Leu)

Gene: HNF1A (HNF1 homeobox A; plus strand). Cytogenetic location: 12q24.31.
Variant type: single nucleotide variant.
Coding change: c.788G>T on transcript NM_000545.8 (MANE Select); coding-DNA position 788, G replaced by T.
Protein change: p.Arg263Leu; replaces arginine 263 with leucine.
Molecular consequence: missense variant.
Genome position (GRCh38, 1-based): chr12:120,994,238, G>T. VCF-style: chr12-120994238-G-T. GRCh37 (hg19) VCF-style: chr12-121432041-G-T.
Other names: NM_001306179.1:c.788G>T; c.788G>T, p.Arg263Leu (NM_001306179.2); short protein forms R263L.
Identifiers: ClinVar variation 1676718 (VCV001676718.3), dbSNP rs1057520504, ClinGen allele CA386966158.

ClinVar aggregate classification (germline): Pathogenic (3 of 4 stars; one submission).

Conditions:
Monogenic diabetes. Identifiers: Orphanet 183625, MedGen C3888631, MONDO:0015967.

Submission:

ClinGen Monogenic Diabetes Variant Curation Expert Panel
Classification: Pathogenic for Monogenic diabetes. Last evaluated: 2022-04-14. Review status: reviewed by expert panel. Criteria: ClinGen Diabetes ACMG Specifications v1 1. Collection method: curation. Allele origin: germline. Inheritance: Autosomal dominant inheritance.
Comment: The c.788G>T variant in the HNF1 homeobox A gene, HNF1A, causes an amino acid change of arginine to leucine at codon 263 (p. (Arg263Leu) of transcript, e.g. NM_000545.8. This variant resides in an amino acid within the HNF1α DNA binding domain that directly binds DNA, which is defined as critical for the protein’s function by the ClinGen MDEP (PM1). Additionally, this variant is predicted to be deleterious by computational evidence, with a REVEL score of 0.933, which is greater than the MDEP VCEP threshold of 0.70 (PP3) and is absent from gnomAD v2.1.1(PM2_Supporting). Two other missense variants, c.787C>T (p.Arg263Cys) and c.788G>A (p.Arg263His), have been interpreted as pathogenic by the ClinGen MDEP, and p.Arg263Leu has a greater Grantham distance than p.Arg263His (PM5_Strong). Functional studies demonstrated the p.Arg263Leu protein has no DNA binding activity, indicating that this variant impacts protein function (PS3_Supporting, PMID: 12712243). This variant segregated with diabetes, with three informative meioses in one family with MODY (PP1; PMID: 12712243). This variant was identified in an individual with a clinical history suggestive of HNF4A-MODY (MODY probability calculator result >50%); however, HNF1A was not tested, and PP4 is not applied (PMID: 12712243). In summary, c.790G>T meets the criteria to be classified as pathogenic for monogenic diabetes. ACMG/AMP criteria applied, as specified by the ClinGen MDEP (specification version 1.1, approved 9/30/2021): PM1, PM2_Supporting, PP3, PM5_Strong, PS3_Supporting, PP1.